The following is an entry in ClinVar:

NM_022167.4(XYLT2):c.612G>A (p.Arg204=)

Gene: XYLT2 (xylosyltransferase 2; plus strand). Cytogenetic location: 17q21.33.
Variant type: single nucleotide variant.
Coding change: c.612G>A on transcript NM_022167.4 (MANE Select); coding-DNA position 612, G replaced by A.
Protein change: p.Arg204=; no amino-acid change (arginine 204 retained).
Molecular consequence: synonymous variant.
Genome position (GRCh38, 1-based): chr17:50,354,106, G>A. VCF-style: chr17-50354106-G-A. GRCh37 (hg19) VCF-style: chr17-48431467-G-A.
Other names: c.612G>A (NM_022167.3).
Identifiers: ClinVar variation 2907190 (VCV002907190.4), dbSNP rs200554333, ClinGen allele CA8646197.

ClinVar aggregate classification (germline): Benign/Likely benign. Review status: criteria provided, multiple submitters, no conflicts (2 of 4 stars). 2 submissions from 2 submitters: Benign (1); Likely benign (1). Last evaluated 2026-08-10.

Conditions:
XYLT2-related disorder. Also called: XYLT2-related condition.

Allele frequency attached by ClinVar (database versions not stated): gnomAD 0.00004; gnomAD exomes 0.00008; ExAC 0.00013; 1000 Genomes Project 30x 0.00016; 1000 Genomes Project 0.00020.
gnomAD v4.1: 119 of 1,604,520 alleles (0.0074%); highest among the groups gnomAD compares: South Asian, 0.12%; 1 homozygote.

Submissions (2):

PreventionGenetics, part of Exact Sciences
Classification: Likely benign for XYLT2-related condition. Last evaluated: 2026-08-10. Review status: criteria provided, single submitter. Criteria: ACMG Guidelines, 2015. Collection method: clinical testing. Allele origin: germline.
Comment: This variant is classified as likely benign based on ACMG/AMP sequence variant interpretation guidelines (Richards et al. 2015 PMID: 25741868, with internal and published modifications).

Labcorp Genetics (formerly Invitae), Labcorp
Classification: Benign. Last evaluated: 2024-01-25. Review status: criteria provided, single submitter. Criteria: Invitae Variant Classification Sherloc (09022015). Collection method: clinical testing. Allele origin: germline.